The following is an entry in ClinVar:

ClinVar aggregate classification (germline): Pathogenic (1 of 4 stars; one submission).

Conditions:
Glycogen storage disease due to lactate dehydrogenase M-subunit deficiency (GSD11). Also called: Glycogen storage disease XI; GSD XI; LACTATE DEHYDROGENASE A DEFICIENCY. Identifiers: Orphanet 284426, MedGen C2931743, MONDO:0013047, OMIM 612933.

Allele frequency attached by ClinVar (database versions not stated): TOPMed below 0.00001; ExAC 0.00001; gnomAD exomes 0.00005.

Submission:

Labcorp Genetics (formerly Invitae), Labcorp
Classification: Pathogenic for Glycogen storage disease due to lactate dehydrogenase M-subunit deficiency. Last evaluated: 2022-08-02. Review status: criteria provided, single submitter. Criteria: Invitae Variant Classification Sherloc (09022015). Collection method: clinical testing. Allele origin: germline.
Comment: This premature translational stop signal has been observed in individual(s) with lactate dehydrogenase (LDH) M-subunit deficiency (PMID: 7603529). This variant is present in population databases (rs201372985, gnomAD 0.0009%). This sequence change creates a premature translational stop signal (p.Arg169*) in the LDHA gene. It is expected to result in an absent or disrupted protein product. Loss-of-function variants in LDHA are known to be pathogenic (PMID: 1959923). This variant is also known as A-171. For these reasons, this variant has been classified as Pathogenic.

Literature cited by the submitters: PubMed 7603529; PubMed 1959923.

NM_005566.4(LDHA):c.505C>T (p.Arg169Ter)

Gene: LDHA (lactate dehydrogenase A; plus strand). Cytogenetic location: 11p15.1.
Variant type: single nucleotide variant.
Coding change: c.505C>T on transcript NM_005566.4 (MANE Select); coding-DNA position 505, C replaced by T.
Protein change: p.Arg169Ter; replaces arginine 169 with a stop codon.
Molecular consequence: nonsense. On other transcripts: non-coding transcript variant (1).
Genome position (GRCh38, 1-based): chr11:18,402,926, C>T. VCF-style: chr11-18402926-C-T. GRCh37 (hg19) VCF-style: chr11-18424473-C-T.
Other names: c.331C>T, p.Arg111Ter (NM_001135239.2); c.592C>T, p.Arg198Ter (NM_001165414.2); c.505C>T, p.Arg169Ter (NM_001165415.2, NM_001165416.2); short protein forms R198*, R169*, R111*.
Identifiers: ClinVar variation 2137028 (VCV002137028.4), dbSNP rs201372985, ClinGen allele CA5911313.
Genomic context (GRCh38, chr11:18,402,926, plus strand): 5'-AAGATAAGTGGTTTTCCCAAAAACCGTGTTATTGGAAGCGGTTGCAATCTGGATTCAGCC[C>T]GATTCCGTTACCTAATGGGGGAAAGGCTGGGAGTTCACCCATTAAGCTGTCATGGGTGGG-3'